The following is an entry in ClinVar:

ClinVar aggregate classification (germline): Pathogenic (1 of 4 stars; one submission).

Conditions:
Tuberous sclerosis 2 (TSC2). Identifiers: Orphanet 805, MedGen C1860707, MONDO:0013199, OMIM 613254.

Submission:

Labcorp Genetics (formerly Invitae), Labcorp
Classification: Pathogenic for Tuberous sclerosis 2. Last evaluated: 2021-07-31. Review status: criteria provided, single submitter. Criteria: Invitae Variant Classification Sherloc (09022015). Collection method: clinical testing. Allele origin: germline.
Comment: For these reasons, this variant has been classified as Pathogenic. This sequence change creates a premature translational stop signal (p.Ala1053Argfs*17) in the TSC2 gene. It is expected to result in an absent or disrupted protein product. Loss-of-function variants in TSC2 are known to be pathogenic (PMID: 10205261, 17304050). This variant is not present in population databases (ExAC no frequency). This variant has not been reported in the literature in individuals affected with TSC2-related conditions.

Literature cited by the submitters: PubMed 10205261; PubMed 17304050.

NM_000548.5(TSC2):c.3156del (p.Ala1053fs)

Gene: TSC2 (TSC complex subunit 2; plus strand). Cytogenetic location: 16p13.3.
Variant type: Deletion.
Coding change: c.3156del on transcript NM_000548.5 (MANE Select); coding-DNA position 3156, one base deleted (A; older notation c.3156delA).
Protein change: p.Ala1053fs; shifts the reading frame from alanine 1053.
Molecular consequence: frameshift variant.
Genome position (GRCh38, 1-based): chr16:2,079,300, A deleted. VCF-style (leftmost placement, unchanged base first): chr16-2079299-TA-T. GRCh37 (hg19) VCF-style: chr16-2129300-TA-T.
Other names: c.2880del, p.Ala961fs (NM_001318829.2); c.2424del, p.Ala809fs (NM_001318831.2); c.3057del, p.Ala1020fs (NM_001318832.2); c.3027del, p.Ala1010fs (NM_001363528.2, NM_001370405.1, NM_021055.3); c.3024del, p.Ala1009fs (NM_001370404.1, NM_001077183.3); c.3156del, p.Ala1053fs (NM_001114382.3); c.2916del, p.Ala973fs (NM_001318827.2); short protein forms A1010fs, A973fs, A809fs, A961fs, A1009fs, A1020fs, A1053fs.
Identifiers: ClinVar variation 1393698 (VCV001393698.6), dbSNP rs2151437486, ClinGen allele CA2573151653.